The following is an entry in ClinVar:

ClinVar aggregate classification (germline): Likely pathogenic. Review status: criteria provided, multiple submitters, no conflicts (2 of 4 stars). 2 submissions from 2 submitters: Likely pathogenic (2). Last evaluated 2025-07-21.

Conditions:
Hereditary acrodermatitis enteropathica (AEZ). Also called: Acrodermatitis enteropathica. Identifiers: Orphanet 37, MedGen C0221036, MONDO:0008713, OMIM 201100.
SLC39A4-related disorder. Also called: SLC39A4-related condition.

Submissions (2):

PreventionGenetics, part of Exact Sciences
Classification: Likely pathogenic for SLC39A4-related condition. Last evaluated: 2025-07-21. Review status: criteria provided, single submitter. Criteria: ACMG Guidelines, 2015. Collection method: clinical testing. Allele origin: germline.
Comment: The SLC39A4 c.1417dupC variant is predicted to result in a frameshift and premature protein termination (p.Leu473Profs*13). To our knowledge, this variant has not been reported in the literature. This variant is reported in 0.014% of alleles in individuals of African descent in gnomAD. Frameshift variants in SLC39A4 are expected to be pathogenic. This variant is interpreted as likely pathogenic.

Natera, Inc.
Classification: Likely pathogenic for Acrodermatitis enteropathica. Last evaluated: 2024-09-02. Review status: criteria provided, single submitter. Criteria: Natera Variant Classification Schema (03/2026). Collection method: clinical testing. Allele origin: germline.
Comment: The c.1417dupC variant in SLC39A4 is a frameshift variant predicted to shift the reading frame beginning at codon 473 and leads to a stop codon 13 codons downstream. This variant is expected to result in nonsense mediated decay, truncation, or a dysfunctional protein product. This variant is rare in the general population with a frequency below the threshold expected for the associated phenotype(s). Given the available evidence, this variant is classified as Likely Pathogenic.

NM_130849.4(SLC39A4):c.1417dup (p.Leu473fs)

Gene: SLC39A4 (solute carrier family 39 member 4; minus strand). Cytogenetic location: 8q24.3.
Variant type: Duplication.
Coding change: c.1417dup on transcript NM_130849.4 (MANE Select); coding-DNA position 1417, one base duplicated (C; older notation c.1417dupC).
Protein change: p.Leu473fs; shifts the reading frame from leucine 473.
Molecular consequence: frameshift variant.
Genome position (GRCh38, 1-based): chr8:144,413,752, G duplicated on the plus strand (C on the coding strand, the reverse complement: SLC39A4 is on the minus strand); the first of 2 consecutive G bases (chr8:144,413,752-144,413,753); duplicating either gives the same sequence. VCF-style (leftmost placement, unchanged base first): chr8-144413751-A-AG. GRCh37 (hg19) VCF-style: chr8-145639135-A-AG.
Other names: c.1135dup, p.Leu379fs (NM_001374839.1); c.1342dup, p.Leu448fs (NM_017767.3); short protein forms L379fs, L448fs, L473fs.
Identifiers: ClinVar variation 4816452 (VCV004816452.2).
Genomic context (GRCh38, chr8:144,413,751, plus strand): 5'-GTGGGAAGGGGTCGGTGGGAGGGGCTCCGCGTGGGATGGGGCATCTGGCGCCCACTCACC[A>AG]GGTCTGCGCGGGAGCCCTCGTGGGGGGGCTTGGGCTGCCGGAGCTCGCTGGGTGCCAGCT-3'